The following is an entry in ClinVar:

NM_000218.3(KCNQ1):c.1514+16073G>A

Genes: KCNQ1 (potassium voltage-gated channel subfamily Q member 1; plus strand), KCNQ1OT1 (KCNQ1 opposite strand/antisense transcript 1; minus strand). Cytogenetic location: 11p15.5.
Variant type: single nucleotide variant.
Coding change: c.1514+16073G>A on transcript NM_000218.3 (MANE Select); 16073 bases into the intron after coding-DNA position 1514, G replaced by A.
Molecular consequence: intron variant. On other transcripts: non-coding transcript variant (1).
Genome position (GRCh38, 1-based): chr11:2,678,154, G>A. VCF-style: chr11-2678154-G-A. GRCh37 (hg19) VCF-style: chr11-2699384-G-A.
Other names: c.1244+16073G>A (NM_001406837.1); c.1418+16073G>A (NM_001406836.1); c.974+16073G>A (NM_001406838.1); c.1133+16073G>A (NM_181798.2).
Identifiers: ClinVar variation 4534541 (VCV004534541.6).
Genomic context (GRCh38, chr11:2,678,154, plus strand): 5'-GAAACTTGCTTTGTCATATTCATTGAAAATATTTTATCCTCATTTTCCTTAGGTGTTTTG[G>A]CTTTTTCTATAATATTTTTCTGGTGGCAGAATTTTTTTAATTTCACATAGTCAGCTGTGT-3'

ClinVar aggregate classification (germline): Likely benign (1 of 4 stars; one submission).

gnomAD v4.1: 32 of 397,912 alleles (0.008%); highest among the groups gnomAD compares: Middle Eastern, 0.12%; no homozygotes.

Submission:

CeGaT Center for Human Genetics Tuebingen
Classification: Likely benign. Last evaluated: 2025-10-01. Review status: criteria provided, single submitter. Criteria: CeGaT Center For Human Genetics Tuebingen Variant Classification Criteria Version 2. Collection method: clinical testing. Allele origin: germline. Affected: yes. Observed: 1 variant allele.
Comment: KCNQ1OT1: BS1